The following is an entry in ClinVar:

ClinVar aggregate classification (germline): Uncertain significance. Review status: criteria provided, multiple submitters, no conflicts (2 of 4 stars). 5 submissions from 5 submitters: Uncertain significance (5). Last evaluated 2023-11-27.

Conditions:
Duchenne muscular dystrophy (DMD). Also called: Duchenne Muscular Dystrophy (DMD); MUSCULAR DYSTROPHY, PSEUDOHYPERTROPHIC PROGRESSIVE, DUCHENNE TYPE. Identifiers: Orphanet 98896, MedGen C0013264, MONDO:0010679, OMIM 310200.

Submissions (5):

Revvity Omics, Revvity
Classification: Uncertain significance. Last evaluated: 2023-11-27. Review status: criteria provided, single submitter. Criteria: ACMG Guidelines, 2015. Collection method: clinical testing. Allele origin: germline.

Labcorp Genetics (formerly Invitae), Labcorp
Classification: Uncertain significance for Duchenne muscular dystrophy. Last evaluated: 2022-10-13. Review status: criteria provided, single submitter. Criteria: Invitae Variant Classification Sherloc (09022015). Collection method: clinical testing. Allele origin: germline.
Comment: In summary, the available evidence is currently insufficient to determine the role of this variant in disease. Therefore, it has been classified as a Variant of Uncertain Significance. Advanced modeling of protein sequence and biophysical properties (such as structural, functional, and spatial information, amino acid conservation, physicochemical variation, residue mobility, and thermodynamic stability) performed at Invitae indicates that this missense variant is not expected to disrupt DMD protein function. ClinVar contains an entry for this variant (Variation ID: 290163). This missense change has been observed in individual(s) with Duchenne or Becker muscular dystrophy (PMID: 19959795). This variant is not present in population databases (gnomAD no frequency). This sequence change replaces valine, which is neutral and non-polar, with phenylalanine, which is neutral and non-polar, at codon 726 of the DMD protein (p.Val726Phe).

Athena Diagnostics
Classification: Uncertain significance. Last evaluated: 2018-06-22. Review status: criteria provided, single submitter. Criteria: Athena Diagnostics Criteria. Collection method: clinical testing. Allele origin: germline.

Eurofins Ntd Llc (ga)
Classification: Uncertain significance. Last evaluated: 2018-05-01. Review status: criteria provided, single submitter. Criteria: EGL ClinVar v180209 classification definitions. Collection method: clinical testing. Allele origin: germline. Observed: 2 variant alleles, 2 hemizygotes.

ARUP Laboratories, Molecular Genetics and Genomics, ARUP Laboratories
Classification: Uncertain significance. Last evaluated: 2017-09-05. Review status: criteria provided, single submitter. Criteria: ARUP Molecular Germline Variant Investigation Process. Collection method: clinical testing. Allele origin: germline.
Comment: The p.Val726Phe variant (rs886044365) has not been reported in the medical literature and is absent from population databases such as 1000 Genomes, the NHLBI GO Exome Sequencing Project (ESP), and the Genome Aggregation Database (gnomAD) browser. However, it is listed in the ClinVar database as a variant of uncertain significance (Variation ID: 290163), and has been reported to the LOVD database, having been observed in multiple Australian Becker muscular dystrophy patient (see links below, including unpublished poster). The valine at codon 726 is moderately conserved considering 7 species (Alamut software v2.9), and computational analyses return mixed results regarding the effect of this variant on DMD protein structure/function (SIFT: tolerated, PolyPhen2: possibly damaging, and Mutation Taster: disease causing). Thus, based on the available information, the clinical significance of the p.Val726Phe variant cannot be determined with certainty.

Literature cited by the submitters: PubMed 19959795 (cited by Labcorp Genetics (formerly Invitae), Labcorp).

NM_004006.3(DMD):c.2176G>T (p.Val726Phe)

Gene: DMD (dystrophin; minus strand). Cytogenetic location: Xp21.1.
Variant type: single nucleotide variant.
Coding change: c.2176G>T on transcript NM_004006.3 (MANE Select); coding-DNA position 2176, G replaced by T.
Protein change: p.Val726Phe; replaces valine 726 with phenylalanine.
Molecular consequence: missense variant.
Genome position (GRCh38, 1-based): chrX:32,518,124, C>A on the plus strand (G>T on the coding strand, the complement: DMD is on the minus strand). VCF-style: chrX-32518124-C-A. GRCh37 (hg19) VCF-style: chrX-32536241-C-A.
Other names: c.2152G>T, p.Val718Phe (NM_000109.4); c.2164G>T, p.Val722Phe (NM_004009.3); c.1807G>T, p.Val603Phe (NM_004010.3); short protein forms V726F, V603F, V718F, V722F.
Identifiers: ClinVar variation 290163 (VCV000290163.20), dbSNP rs886044365, ClinGen allele CA10606670.